The following is an entry in ClinVar:

ClinVar aggregate classification (germline): Conflicting classifications of pathogenicity. Review status: criteria provided, conflicting classifications (1 of 4 stars). 3 submissions from 3 submitters: Uncertain significance (1); Likely benign (1). 1 of the submissions does not count toward it. Last evaluated 2026-02-01.

Conditions:
ABL1-related disorder. Also called: ABL1-related condition.

Submissions (3):

Labcorp Genetics (formerly Invitae), Labcorp
Classification: Uncertain significance. Last evaluated: 2026-02-01. Review status: criteria provided, single submitter. Criteria: Invitae Variant Classification Sherloc (09022015). Collection method: clinical testing. Allele origin: germline.
Comment: This variant, c.1883_1885del, results in the deletion of 1 amino acid(s) of the ABL1 protein (p.Lys628del), but otherwise preserves the integrity of the reading frame. The frequency data for this variant in the population databases is considered unreliable, as metrics indicate poor data quality at this position in the gnomAD database. This variant has not been reported in the literature in individuals affected with ABL1-related conditions. Experimental studies and prediction algorithms are not available or were not evaluated, and the functional significance of this variant is currently unknown. In summary, the available evidence is currently insufficient to determine the role of this variant in disease. Therefore, it has been classified as a Variant of Uncertain Significance.

Blueprint Genetics
Classification: Likely benign. Last evaluated: 2024-11-27. Review status: criteria provided, single submitter. Criteria: ACMG Guidelines, 2015. Collection method: clinical testing. Allele origin: germline.

PreventionGenetics, part of Exact Sciences
Classification: Uncertain significance for ABL1-related condition. Last evaluated: 2024-05-22. Review status: no assertion criteria provided. Collection method: clinical testing. Allele origin: germline. Not counted in ClinVar's aggregate classification.
Comment: The ABL1 c.1883_1885delAGA variant is predicted to result in an in-frame deletion (p.Lys628del). To our knowledge, this variant has not been reported in the literature. This variant is reported in 0.053% of alleles in individuals of Ashkenazi Jewish descent in gnomAD. Allele frequency data should be interpreted with caution due to the limitations of next-generation sequencing technology in repetitive sequences. At this time, the clinical significance of this variant is uncertain due to the absence of conclusive functional and genetic evidence.

NM_005157.6(ABL1):c.1814AGA[4] (p.Lys609del)

Gene: ABL1 (ABL proto-oncogene 1, non-receptor tyrosine kinase; plus strand). Cytogenetic location: 9q34.12.
Variant type: Microsatellite.
Coding change: c.1814AGA[4] on transcript NM_005157.6 (MANE Select); four copies in a row of the 3-base unit AGA starting at c.1814; the reference has five copies in a row; one copy, 3 bases deleted.
Protein change: p.Lys609del; deletes lysine 609.
Molecular consequence: inframe deletion.
Genome position (GRCh38, 1-based): chr9:130,884,116-130,884,118, AGA deleted; deleting any 3 consecutive bases within chr9:130,884,103-130,884,118 gives the same sequence; the position shown is the placement nearest the transcript's 3' end. VCF-style (leftmost placement, unchanged base first): chr9-130884102-CAAG-C. GRCh37 (hg19) VCF-style: chr9-133759489-CAAG-C.
Other names: c.1871AGA[4], p.Lys628del (NM_007313.3); c.1883_1885delAGA (NM_007313.2); short protein forms K609del, K628del.
Identifiers: ClinVar variation 3353151 (VCV003353151.4).